The following is an entry in ClinVar:

ClinVar aggregate classification (germline): Pathogenic (1 of 4 stars; one submission).

Submission:

GeneDx
Classification: Pathogenic. Last evaluated: 2018-12-18. Review status: criteria provided, single submitter. Criteria: GeneDx Variant Classification (06012015). Collection method: clinical testing. Allele origin: germline. Affected: yes.
Comment: The c.4706_4707ins10 pathogenic variant in the KMT2A gene has not been reported previously as a pathogenic variant nor as a benign variant, to our knowledge. The c.4706_4707ins10 variant changes codon Cysteine 1569 to a premature stop codon, denoted p.Cys1569Ter. This variant is predicted to cause loss of normal protein function either through protein truncation or nonsense-mediated mRNA decay. The c.4706_4707ins10 variant was not observed in approximately 6,500 individuals of European and African American ancestry in the NHLBI Exome Sequencing Project, indicating it is not a common benign variant in these populations. Therefore, we interpret c.4706_4707ins10 as a pathogenic variant

NM_001197104.2(KMT2A):c.4706_4707insAAACTCTCTG (p.Cys1569Ter)

Gene: KMT2A (lysine methyltransferase 2A; plus strand). Cytogenetic location: 11q23.3.
Variant type: Insertion.
Coding change: c.4706_4707insAAACTCTCTG on transcript NM_001197104.2 (MANE Select); coding-DNA positions 4706 to 4707, AAACTCTCTG inserted.
Protein change: p.Cys1569Ter; replaces cysteine 1569 with a stop codon.
Molecular consequence: nonsense.
Genome position: GRCh38 VCF-style: chr11-118491201-T-TTCTGAAACTC. GRCh37 (hg19) VCF-style: chr11-118361916-T-TTCTGAAACTC.
Other names: c.4706_4707insAAACTCTCTG, p.Cys1569Ter (NM_005933.4); short protein forms C1569*.
Identifiers: ClinVar variation 421746 (VCV000421746.2), dbSNP rs1064795340, ClinGen allele CA16619278.
Genomic context (GRCh38, chr11:118,491,201, plus strand): 5'-TAAAAACACGGGTATGTGAGCCAAAGCACTGCTGTAAACTTTGCTTTGCTTTCAGGAAAC[T>TTCTGAAACTC]TCTGCCCTCTCTGTGACAAATGTTATGATGATGATGACTATGAGAGTAAGATGATGCAAT-3'